The following is an entry in ClinVar:

ClinVar aggregate classification (germline): Pathogenic. Review status: criteria provided, multiple submitters, no conflicts (2 of 4 stars). 2 submissions from 2 submitters: Pathogenic (2). Last evaluated 2024-08-16.

Conditions:
Carcinoma of pancreas. Also called: Pancreatic cancer, somatic; Pancreatic carcinoma, somatic; PANCREATIC ACINAR CARCINOMA; PANCREATIC CARCINOMA; Exocrine pancreatic carcinoma. Identifiers: Orphanet 1333, Orphanet 217074, MedGen C0235974, MONDO:0005192. Disease mechanism: loss of function.
Peutz-Jeghers syndrome (PJS). Also called: POLYPOSIS, HAMARTOMATOUS INTESTINAL; POLYPS-AND-SPOTS SYNDROME; Peutz-Jeghers polyposis; Periorificial lentiginosis syndrome. Identifiers: Orphanet 2869, MedGen C0031269, MeSH D010580, MONDO:0008280, OMIM 175200.

Submissions (2):

3billion
Classification: Pathogenic for Peutz-Jeghers syndrome. Last evaluated: 2024-08-16. Review status: criteria provided, single submitter. Criteria: ACMG Guidelines, 2015. Collection method: clinical testing. Allele origin: germline. Affected: yes.
Comment: The variant is not observed in the gnomAD v4.0.0 dataset. Predicted Consequence/Location: Stop-gained (nonsense): predicted to result in a loss or disruption of normal protein function through nonsense-mediated decay (NMD) or protein truncation. Multiple pathogenic variants are reported downstream of the variant. The variant has been reported to be associated with STK11 related disorder (ClinVar ID: VCV000931293 /PMID: 30528796). Therefore, this variant is classified as Pathogenic according to the recommendation of ACMG/AMP guideline.

Centre for Mendelian Genomics, University Medical Centre Ljubljana
Classification: Pathogenic for Familial pancreatic carcinoma. Last evaluated: 2019-12-11. Review status: criteria provided, single submitter. Criteria: ACMG Guidelines, 2015. Collection method: clinical testing. Allele origin: unknown. Affected: yes.
Comment: This variant was classified as: Pathogenic. The following ACMG criteria were applied in classifying this variant: PVS1,PM2,PP4,PP5.

Literature cited by the submitters: PubMed 30528796 (cited by 3billion).

NM_000455.5(STK11):c.716G>A (p.Trp239Ter)

Gene: STK11 (serine/threonine kinase 11; plus strand). Cytogenetic location: 19p13.3.
Variant type: single nucleotide variant.
Coding change: c.716G>A on transcript NM_000455.5 (MANE Select); coding-DNA position 716, G replaced by A.
Protein change: p.Trp239Ter; replaces tryptophan 239 with a stop codon.
Molecular consequence: nonsense.
Genome position (GRCh38, 1-based): chr19:1,220,699, G>A. VCF-style: chr19-1220699-G-A. GRCh37 (hg19) VCF-style: chr19-1220698-G-A.
Other names: short protein forms W239*.
Identifiers: ClinVar variation 931293 (VCV000931293.4), dbSNP rs730881975, ClinGen allele CA402949934.